The following is an entry in ClinVar:

NM_001367479.1(DNAH14):c.8374A>G (p.Ile2792Val)

Gene: DNAH14 (dynein axonemal heavy chain 14; plus strand). Cytogenetic location: 1q42.12.
Variant type: single nucleotide variant.
Coding change: c.8374A>G on transcript NM_001367479.1 (MANE Select); coding-DNA position 8374, A replaced by G.
Protein change: p.Ile2792Val; replaces isoleucine 2792 with valine.
Molecular consequence: missense variant.
Genome position (GRCh38, 1-based): chr1:225,289,987, A>G. VCF-style: chr1-225289987-A-G. GRCh37 (hg19) VCF-style: chr1-225477689-A-G.
Other names: NM_001373.1:c.8095A>G; short protein forms I2792V.
Identifiers: ClinVar variation 2539267 (VCV002539267.3), dbSNP rs566339712, ClinGen allele CA1416423.

ClinVar aggregate classification (germline): Uncertain significance. Review status: criteria provided, multiple submitters, no conflicts (2 of 4 stars). 2 submissions from 2 submitters: Uncertain significance (2). Last evaluated 2026-03-31.

Allele frequency attached by ClinVar (database versions not stated): ExAC 0.00010; gnomAD exomes 0.00014.
gnomAD v4.1: 213 of 1,543,906 alleles (0.014%); highest among the groups gnomAD compares: Non-Finnish European, 0.018%; no homozygotes.

Submissions (2):

GeneDx
Classification: Uncertain significance. Last evaluated: 2026-03-31. Review status: criteria provided, single submitter. Criteria: GeneDx Variant Classification Process June 2021. Collection method: clinical testing. Allele origin: germline.
Comment: In silico analysis suggests that this missense variant does not alter protein structure/function; Has not been previously published as pathogenic or benign to our knowledge

Ambry Genetics
Classification: Uncertain significance. Last evaluated: 2023-05-26. Review status: criteria provided, single submitter. Criteria: Ambry Variant Classification Scheme 2023. Collection method: clinical testing. Allele origin: germline.